The following is an entry in ClinVar:

ClinVar aggregate classification (germline): Uncertain significance. Review status: reviewed by expert panel (3 of 4 stars). 2 submissions from 2 submitters: Uncertain significance (1). 1 of the submissions does not count toward it. Last evaluated 2024-04-23.

Conditions:
Mitochondrial disease. Also called: Mitochondrial disorders; Mitochondrial disorder. Identifiers: Orphanet 68380, MedGen C0751651, MeSH D028361, MONDO:0044970.

Submissions (2):

ClinGen Mitochondrial Disease Nuclear and Mitochondrial  Variant Curation Expert Panel, ClinGen
Classification: Uncertain significance for Mitochondrial disease. Last evaluated: 2024-04-23. Review status: reviewed by expert panel. Criteria: McCormick et al. (Hum Mutat. 2020). Collection method: curation. Allele origin: germline. Inheritance: Mitochondrial inheritance.
Comment: Muscle biopsy showed ragged red fibers, COX-deficient fibers, mitochondrial proliferation, complex I deficiency, and complex IV deficiency. The variant was present at 94% heteroplasmy in muscle, 78% in urine, 48% in skin fibroblasts, 9% in blood, and was undetectable in buccal sample. The computational predictor MitoTIP suggests this variant is pathogenic (93.8 percentile) and HmtVAR predicts it to be pathogenic score of 0.4 (PP3). This variant is absent in the GenBank dataset, Helix dataset, and gnomAD v3.1.2 (PM2_supporting). Single fiber testing showed higher levels of the variant in COX negative fibers (96.10% ± 1.66) than in COX positive fibers (68.78% ± 18.11), p=0.0002 (PS3_supporting, PMID: 32419253). In summary, this variant meets criteria to be classified as uncertain significance for primary mitochondrial disease inherited in a mitochondrial manner. This classification was approved by the NICHD/NINDS U24 ClinGen Mitochondrial Disease Variant Curation Expert Panel on April 23, 2024. Mitochondrial DNA-specific ACMG/AMP criteria applied (PMID: 32906214): PS3_supporting, PM6_supporting, PM2_supporting, PP3.

Service de Génétique Médicale, Centre Hospitalier Universitaire de Nice-Université Côte d'Azur
Classification: Pathogenic for Mitochondrial disease. Last evaluated: 2019-10-01. Review status: no assertion criteria provided. Collection method: in vitro. Allele origin: not applicable. Inheritance: Mitochondrial inheritance. Not counted in ClinVar's aggregate classification.
Comment: Exercise intolerance, myalgia, amyotrophy and mild weakness in the lower limbs, intermittent unilateral ptosis, dysarthria, failure to thrive

Literature cited by the submitters: PubMed 32419253 (cited by ClinGen Mitochondrial Disease Nuclear and Mitochondrial  Variant Curation Expert Panel, ClinGen).

NC_012920.1(MT-TP):m.15958A>T

Gene: MT-TP (mitochondrially encoded tRNA proline; minus strand).
Variant type: single nucleotide variant.
Genome position: chrM-15958-A-T.
Identifiers: ClinVar variation 870596 (VCV000870596.4), dbSNP rs2068750239, ClinGen allele CA913175296.
Genomic context (GRCh38, chrMT:15,958, plus strand): 5'-TATAAACTAATACACCAGTCTTGTAAACCGGAGATGAAAACCTTTTTCCAAGGACAAATC[A>T]GAGAAAAAGTCTTTAACTCCACCATTAGCACCCAAAGCTAAGATTCTAATTTAAACTATT-3'